The following is an entry in ClinVar:

NM_020937.4(FANCM):c.2492A>C (p.Glu831Ala)

Gene: FANCM (FA complementation group M; plus strand). Cytogenetic location: 14q21.2.
Variant type: single nucleotide variant.
Coding change: c.2492A>C on transcript NM_020937.4 (MANE Select); coding-DNA position 2492, A replaced by C.
Protein change: p.Glu831Ala; replaces glutamic acid 831 with alanine.
Molecular consequence: missense variant.
Genome position (GRCh38, 1-based): chr14:45,175,246, A>C. VCF-style: chr14-45175246-A-C. GRCh37 (hg19) VCF-style: chr14-45644449-A-C.
Other names: c.2414A>C, p.Glu805Ala (NM_001308133.2); short protein forms E805A, E831A.
Identifiers: ClinVar variation 2183919 (VCV002183919.6), dbSNP rs2503181217, ClinGen allele CA389597963.

ClinVar aggregate classification (germline): Uncertain significance. Review status: criteria provided, multiple submitters, no conflicts (2 of 4 stars). 2 submissions from 2 submitters: Uncertain significance (2). Last evaluated 2025-09-25.

Conditions:
Inborn genetic diseases. Identifiers: MedGen C0950123, MeSH D030342.
Fanconi anemia (FA). Also called: Fanconi's anemia. Identifiers: Orphanet 84, MedGen C0015625, MeSH D005199, MONDO:0019391.

Allele frequency attached by ClinVar (database versions not stated): gnomAD exomes below 0.00001.
gnomAD v4.1: 3 of 1,609,580 alleles (0.00019%); highest among the groups gnomAD compares: Non-Finnish European, 0.00025%; no homozygotes.

Submissions (2):

Ambry Genetics
Classification: Uncertain significance for Inborn genetic diseases. Last evaluated: 2025-09-25. Review status: criteria provided, single submitter. Criteria: Ambry Variant Classification Scheme 2023. Collection method: clinical testing. Allele origin: germline.

Labcorp Genetics (formerly Invitae), Labcorp
Classification: Uncertain significance for Fanconi anemia. Last evaluated: 2022-07-25. Review status: criteria provided, single submitter. Criteria: Invitae Variant Classification Sherloc (09022015). Collection method: clinical testing. Allele origin: germline.
Comment: In summary, the available evidence is currently insufficient to determine the role of this variant in disease. Therefore, it has been classified as a Variant of Uncertain Significance. Algorithms developed to predict the effect of missense changes on protein structure and function (SIFT, PolyPhen-2, Align-GVGD) all suggest that this variant is likely to be tolerated. This variant has not been reported in the literature in individuals affected with FANCM-related conditions. This variant is not present in population databases (gnomAD no frequency). This sequence change replaces glutamic acid, which is acidic and polar, with alanine, which is neutral and non-polar, at codon 831 of the FANCM protein (p.Glu831Ala).